The following is an entry in ClinVar:

NM_000603.5(NOS3):c.2814G>T (p.Arg938=)

Gene: NOS3 (nitric oxide synthase 3; plus strand). Cytogenetic location: 7q36.1.
Variant type: single nucleotide variant.
Coding change: c.2814G>T on transcript NM_000603.5 (MANE Select); coding-DNA position 2814, G replaced by T.
Protein change: p.Arg938=; no amino-acid change (arginine 938 retained).
Molecular consequence: synonymous variant.
Genome position (GRCh38, 1-based): chr7:151,010,725, G>T. VCF-style: chr7-151010725-G-T. GRCh37 (hg19) VCF-style: chr7-150707813-G-T.
Identifiers: ClinVar variation 740118 (VCV000740118.4), dbSNP rs149654049, ClinGen allele CA4567486.

ClinVar aggregate classification (germline): Benign. Review status: criteria provided, single submitter (1 of 4 stars). 2 submissions from 2 submitters: Benign (1). 1 of the submissions does not count toward it. Last evaluated 2018-09-12.

Conditions:
NOS3-related disorder. Also called: NOS3-related condition.

Allele frequency attached by ClinVar (database versions not stated): 1000 Genomes Project 30x 0.00031; 1000 Genomes Project 0.00040; gnomAD 0.00046 and 0.00050; TOPMed 0.00051; ESP Exome Variant Server 0.00077; gnomAD exomes 0.00081 and 0.00098; ExAC 0.00098.
gnomAD v4.1: 1,516 of 1,613,284 alleles (0.094%); highest among the groups gnomAD compares: South Asian, 0.24%; 5 homozygotes.

Submissions (2):

Labcorp Genetics (formerly Invitae), Labcorp
Classification: Benign. Last evaluated: 2018-09-12. Review status: criteria provided, single submitter. Criteria: Invitae Variant Classification Sherloc (09022015). Collection method: clinical testing. Allele origin: germline.

PreventionGenetics, part of Exact Sciences
Classification: Likely benign for NOS3-related condition. Last evaluated: 2024-09-10. Review status: no assertion criteria provided. Collection method: clinical testing. Allele origin: germline. Not counted in ClinVar's aggregate classification.
Comment: This variant is classified as likely benign based on ACMG/AMP sequence variant interpretation guidelines (Richards et al. 2015 PMID: 25741868, with internal and published modifications).